The following is an entry in ClinVar:

ClinVar aggregate classification (germline): Pathogenic (1 of 4 stars; one submission).

Conditions:
MYRF-related disorder. Also called: MYRF-related condition; MYRF-related disorders.

Submission:

PreventionGenetics, part of Exact Sciences
Classification: Pathogenic for MYRF-related condition. Last evaluated: 2025-06-29. Review status: criteria provided, single submitter. Criteria: ACMG Guidelines, 2015. Collection method: clinical testing. Allele origin: germline.
Comment: The MYRF c.1646_1662del17 variant is predicted to result in a frameshift and premature protein termination (p.Gln549Leufs*15). To our knowledge, this variant has not been reported in the literature or in a large population database (gnomAD), indicating this variant is rare. Frameshift variants in MYRF are expected to be pathogenic. This variant is interpreted as pathogenic.

NM_001127392.3(MYRF):c.1646_1662del (p.Gln549fs)

Gene: MYRF (myelin regulatory factor; plus strand). Cytogenetic location: 11q12.2.
Variant type: Deletion.
Coding change: c.1646_1662del on transcript NM_001127392.3 (MANE Select); coding-DNA positions 1646 to 1662, 17 bases deleted (AGGTGCCCGACACCGTC).
Protein change: p.Gln549fs; shifts the reading frame from glutamine 549.
Molecular consequence: frameshift variant.
Genome position (GRCh38, 1-based): chr11:61,777,319-61,777,335, AGGTGCCCGACACCGTC deleted; deleting any 17 consecutive bases within chr11:61,777,318-61,777,335 gives the same sequence; the c. name uses the placement nearest the transcript's 3' end. VCF-style (leftmost placement, unchanged base first): chr11-61777317-ACAGGTGCCCGACACCGT-A. GRCh37 (hg19) VCF-style: chr11-61544789-ACAGGTGCCCGACACCGT-A.
Other names: c.1619_1635del, p.Gln540fs (NM_013279.4); short protein forms Q540fs, Q549fs.
Identifiers: ClinVar variation 4999125 (VCV004999125.1).